The following is an entry in ClinVar:

ClinVar aggregate classification (germline): Likely benign (1 of 4 stars; one submission).

Conditions:
DNAH17-related disorder. Also called: DNAH17-related condition.

gnomAD v4.1: 16 of 1,613,910 alleles (0.00099%); highest among the groups gnomAD compares: Admixed American, 0.017%; no homozygotes.

Submission:

PreventionGenetics, part of Exact Sciences
Classification: Likely benign for DNAH17-related condition. Last evaluated: 2025-12-31. Review status: criteria provided, single submitter. Criteria: ACMG Guidelines, 2015. Collection method: clinical testing. Allele origin: germline.
Comment: This variant is classified as likely benign based on ACMG/AMP sequence variant interpretation guidelines (Richards et al. 2015 PMID: 25741868, with internal and published modifications).

NM_173628.4(DNAH17):c.13062C>G (p.Val4354=)

Gene: DNAH17 (dynein axonemal heavy chain 17; minus strand). Cytogenetic location: 17q25.3.
Variant type: single nucleotide variant.
Coding change: c.13062C>G on transcript NM_173628.4 (MANE Select); coding-DNA position 13062, C replaced by G.
Protein change: p.Val4354=; no amino-acid change (valine 4354 retained).
Molecular consequence: synonymous variant.
Genome position (GRCh38, 1-based): chr17:78,425,425, G>C on the plus strand (C>G on the coding strand, the complement: DNAH17 is on the minus strand). VCF-style: chr17-78425425-G-C. GRCh37 (hg19) VCF-style: chr17-76421506-G-C.
Identifiers: ClinVar variation 4979545 (VCV004979545.1).